The following is an entry in ClinVar:

NM_000478.6(ALPL):c.1433A>T (p.Asn478Ile)

Gene: ALPL (alkaline phosphatase, biomineralization associated; plus strand). Cytogenetic location: 1p36.12.
Variant type: single nucleotide variant.
Coding change: c.1433A>T on transcript NM_000478.6 (MANE Select); coding-DNA position 1433, A replaced by T.
Protein change: p.Asn478Ile; replaces asparagine 478 with isoleucine.
Molecular consequence: missense variant.
Genome position (GRCh38, 1-based): chr1:21,577,506, A>T. VCF-style: chr1-21577506-A-T. GRCh37 (hg19) VCF-style: chr1-21903999-A-T.
Other names: c.1268A>T, p.Asn423Ile (NM_001127501.4); c.1202A>T, p.Asn401Ile (NM_001177520.3); c.1433A>T, p.Asn478Ile (NM_001369803.2, NM_001369804.2, NM_001369805.2); short protein forms N401I, N423I, N478I.
Identifiers: ClinVar variation 4086903 (VCV004086903.2).

ClinVar aggregate classification (germline): Likely pathogenic (1 of 4 stars; one submission).

Conditions:
Hypophosphatasia. Also called: Phosphoethanol-aminuria. Identifiers: Orphanet 436, MedGen C0020630, MeSH D007014, MONDO:0018570.

Submission:

Genomenon, Inc
Classification: Likely pathogenic for Hypophosphatasia. Last evaluated: 2026-09-01. Review status: criteria provided, single submitter. Criteria: Genomenon Sequence Variant Interpretation Standards - Updated. Collection method: curation. Allele origin: germline. Affected: yes.
Comment: ALPL p.Asn478Ile (c.1433A>T) is a missense variant that changes the amino acid at codon 478 from Asparagine to Isoleucine. This variant has been observed in at least one proband affected with an ALPL-related disorder (PMID:10679946). At least one functional study has demonstrated a substantial alteration in protein function relative to the wild-type (PMID:10679946;19500388;11479741). It is absent or not present at a significant frequency in gnomAD. In silico models predict that this variant is possibly or probably damaging. In conclusion, we classify ALPL p.Asn478Ile (c.1433A>T) as a likely pathogenic variant.

Literature cited by the submitters: PubMed 10679946; PubMed 19500388; PubMed 11479741.